The following is an entry in ClinVar:

NM_003227.4(TFR2):c.1118G>A (p.Gly373Asp)

Gene: TFR2 (transferrin receptor 2; minus strand). Cytogenetic location: 7q22.1.
Variant type: single nucleotide variant.
Coding change: c.1118G>A on transcript NM_003227.4 (MANE Select); coding-DNA position 1118, G replaced by A.
Protein change: p.Gly373Asp; replaces glycine 373 with aspartic acid.
Molecular consequence: missense variant.
Genome position (GRCh38, 1-based): chr7:100,631,041, C>T on the plus strand (G>A on the coding strand, the complement: TFR2 is on the minus strand). VCF-style: chr7-100631041-C-T. GRCh37 (hg19) VCF-style: chr7-100228664-C-T.
Other names: c.605G>A, p.Gly202Asp (NM_001206855.3); short protein forms G373D, G202D.
Identifiers: ClinVar variation 576868 (VCV000576868.55), dbSNP rs202221581, ClinGen allele CA4386563.

ClinVar aggregate classification (germline): Uncertain significance. Review status: criteria provided, multiple submitters, no conflicts (2 of 4 stars). 8 submissions from 8 submitters: Uncertain significance (7). 1 of the submissions does not count toward it. Last evaluated 2024-11-11.

Conditions:
Hereditary hemochromatosis (HFE). Identifiers: MedGen C0392514, MONDO:0006507. Disease mechanism: loss of function.
Hemochromatosis type 1 (HFE1). Also called: HFE-Associated Hereditary Hemochromatosis; HFE-Related Hemochromatosis. Identifiers: Orphanet 465508, MedGen C3469186, MONDO:0021001, OMIM 235200. Disease mechanism: loss of function.
Hemochromatosis type 3 (HFE3). Also called: HEMOCHROMATOSIS DUE TO DEFECT IN TRANSFERRIN RECEPTOR 2; Hereditary hemochromatosis type 3; TFR2-Related Hemochromatosis. Identifiers: Orphanet 225123, MedGen C1858664, MONDO:0011417, OMIM 604250.

Allele frequency attached by ClinVar (database versions not stated): gnomAD 0.00006; 1000 Genomes Project 30x 0.00016; 1000 Genomes Project 0.00020; TOPMed 0.00026; gnomAD exomes 0.00032; ExAC 0.00049.
gnomAD v4.1: 417 of 1,583,602 alleles (0.026%); highest among the groups gnomAD compares: Middle Eastern, 0.057%; 2 homozygotes.

Submissions (8):

Blueprint Genetics
Classification: Uncertain significance. Last evaluated: 2024-11-11. Review status: criteria provided, single submitter. Criteria: ACMG Guidelines, 2015. Collection method: clinical testing. Allele origin: germline.

Labcorp Genetics (formerly Invitae), Labcorp
Classification: Uncertain significance for Hereditary hemochromatosis. Last evaluated: 2024-01-22. Review status: criteria provided, single submitter. Criteria: Invitae Variant Classification Sherloc (09022015). Collection method: clinical testing. Allele origin: germline.
Comment: This sequence change replaces glycine, which is neutral and non-polar, with aspartic acid, which is acidic and polar, at codon 373 of the TFR2 protein (p.Gly373Asp). This variant is present in population databases (rs202221581, gnomAD 0.05%). This missense change has been observed in individual(s) with hemachromatosis (PMID: 22890139, 24055163). ClinVar contains an entry for this variant (Variation ID: 576868). Advanced modeling of protein sequence and biophysical properties (such as structural, functional, and spatial information, amino acid conservation, physicochemical variation, residue mobility, and thermodynamic stability) performed at Invitae indicates that this missense variant is not expected to disrupt TFR2 protein function with a negative predictive value of 80%. In summary, the available evidence is currently insufficient to determine the role of this variant in disease. Therefore, it has been classified as a Variant of Uncertain Significance.

Fulgent Genetics
Classification: Uncertain significance for Hemochromatosis type 3. Last evaluated: 2022-05-02. Review status: criteria provided, single submitter. Criteria: ACMG Guidelines, 2015. Collection method: clinical testing. Allele origin: unknown.

Mendelics
Classification: Uncertain significance for Hemochromatosis type 1. Last evaluated: 2019-05-28. Review status: criteria provided, single submitter. Criteria: Mendelics Assertion Criteria 2017. Collection method: clinical testing. Allele origin: unknown.

CeGaT Center for Human Genetics Tuebingen
Classification: Uncertain significance. Last evaluated: 2019-03-01. Review status: criteria provided, single submitter. Criteria: CeGaT Center For Human Genetics Tuebingen Variant Classification Criteria Version 2. Collection method: clinical testing. Allele origin: germline. Affected: yes. Observed: 1 variant allele.

Illumina Laboratory Services, Illumina
Classification: Uncertain significance for Hemochromatosis type 3. Last evaluated: 2017-04-28. Review status: criteria provided, single submitter. Criteria: ICSL Variant Classification Criteria 13 December 2019. Collection method: clinical testing. Allele origin: germline.
Comment: This variant was observed as part of a predisposition screen in an ostensibly healthy population. A literature search was performed for the gene, cDNA change, and amino acid change (where applicable). Publications were found based on this search. However, the evidence from the literature, in combination with allele frequency data from public databases where available, was not sufficient to rule this variant in or out of causing disease. Therefore, this variant is classified as a variant of unknown significance.

Breakthrough Genomics
Classification: Uncertain significance. Review status: criteria provided, single submitter. Criteria: ACMG Guidelines, 2015. Collection method: not provided. Allele origin: germline. Inheritance: Autosomal recessive inheritance. Affected: yes.

Natera, Inc.
Classification: Uncertain significance for Hereditary hemochromatosis type 3. Last evaluated: 2020-09-16. Review status: no assertion criteria provided. Collection method: clinical testing. Allele origin: germline. Not counted in ClinVar's aggregate classification.

Literature cited by the submitters: PubMed 22890139 (cited by Labcorp Genetics (formerly Invitae), Labcorp and Illumina Laboratory Services, Illumina); PubMed 24055163 (cited by Labcorp Genetics (formerly Invitae), Labcorp and Illumina Laboratory Services, Illumina).